The following is an entry in ClinVar:

ClinVar aggregate classification (germline): Likely benign (1 of 4 stars; one submission).

gnomAD v4.1: 4 of 1,613,810 alleles (0.00025%); highest among the groups gnomAD compares: Non-Finnish European, 0.00034%; no homozygotes.

Submission:

GeneDx
Classification: Likely benign. Last evaluated: 2017-05-25. Review status: criteria provided, single submitter. Criteria: GeneDx Variant Classification (06012015). Collection method: clinical testing. Allele origin: germline. Affected: yes.
Comment: This variant is considered likely benign or benign based on one or more of the following criteria: it is a conservative change, it occurs at a poorly conserved position in the protein, it is predicted to be benign by multiple in silico algorithms, and/or has population frequency not consistent with disease.

NM_004863.4(SPTLC2):c.1304-4C>G

Gene: SPTLC2 (serine palmitoyltransferase long chain base subunit 2; minus strand). Cytogenetic location: 14q24.3.
Variant type: single nucleotide variant.
Coding change: c.1304-4C>G on transcript NM_004863.4 (MANE Select); 4 bases into the intron before coding-DNA position 1304, C replaced by G.
Molecular consequence: intron variant.
Genome position (GRCh38, 1-based): chr14:77,521,585, G>C on the plus strand (C>G on the coding strand, the complement: SPTLC2 is on the minus strand). VCF-style: chr14-77521585-G-C. GRCh37 (hg19) VCF-style: chr14-77987928-G-C.
Identifiers: ClinVar variation 509663 (VCV000509663.1), dbSNP rs1555373207, ClinGen allele CA658798244.
Genomic context (GRCh38, chr14:77,521,585, plus strand): 5'-TCAGGCGTCTCCTGAAATACCTGGTGTTTTCAGCTAACTGTTGTACACACTCTTTACCTG[G>C]AAAGTCACGGTGAGAGAAAACAAAATAATCCTAAGTAAAAAGGAATGGAAAAAAGACAGT-3'